The following is an entry in ClinVar:

NM_013275.6(ANKRD11):c.6055C>T (p.Pro2019Ser)

Gene: ANKRD11 (ankyrin repeat domain 11; minus strand). Cytogenetic location: 16q24.3.
Variant type: single nucleotide variant.
Coding change: c.6055C>T on transcript NM_013275.6 (MANE Select); coding-DNA position 6055, C replaced by T.
Protein change: p.Pro2019Ser; replaces proline 2019 with serine.
Molecular consequence: missense variant.
Genome position (GRCh38, 1-based): chr16:89,280,487, G>A on the plus strand (C>T on the coding strand, the complement: ANKRD11 is on the minus strand). VCF-style: chr16-89280487-G-A. GRCh37 (hg19) VCF-style: chr16-89346895-G-A.
Other names: c.6055C>T, p.Pro2019Ser (NM_001256182.2, NM_001256183.2); short protein forms P2019S.
Identifiers: ClinVar variation 4975684 (VCV004975684.1).

ClinVar aggregate classification (germline): Uncertain significance (1 of 4 stars; one submission).

Submission:

GeneDx
Classification: Uncertain significance. Last evaluated: 2026-01-29. Review status: criteria provided, single submitter. Criteria: GeneDx Variant Classification Process June 2021. Collection method: clinical testing. Allele origin: germline.
Comment: Not observed at significant frequency in large population cohorts (gnomAD); In silico analysis suggests that this missense variant does not alter protein structure/function; Has not been previously published as pathogenic or benign to our knowledge